The following is an entry in ClinVar:

ClinVar aggregate classification (germline): Likely benign (1 of 4 stars; one submission).

Submission:

CeGaT Center for Human Genetics Tuebingen
Classification: Likely benign. Last evaluated: 2025-09-01. Review status: criteria provided, single submitter. Criteria: CeGaT Center For Human Genetics Tuebingen Variant Classification Criteria Version 2. Collection method: clinical testing. Allele origin: germline. Affected: yes. Observed: 1 variant allele.
Comment: HLA-C: BP4, BP7

NM_002117.6(HLA-C):c.357C>G (p.Leu119=)

Gene: HLA-C (major histocompatibility complex, class I, C; minus strand). Cytogenetic location: 6p21.33.
Variant type: single nucleotide variant.
Coding change: c.357C>G on transcript NM_002117.6 (MANE Select); coding-DNA position 357, C replaced by G.
Protein change: p.Leu119=; no amino-acid change (leucine 119 retained).
Molecular consequence: synonymous variant.
Genome position (GRCh38, 1-based): chr6:31,271,335, G>C on the plus strand (C>G on the coding strand, the complement: HLA-C is on the minus strand). VCF-style: chr6-31271335-G-C. GRCh37 (hg19) VCF-style: chr6-31239112-G-C.
Other names: c.357C>G, p.Leu119= (NM_001243042.1).
Identifiers: ClinVar variation 4280766 (VCV004280766.7), dbSNP rs201441823.